The following is an entry in ClinVar:

NM_001278182.2(EOMES):c.360C>T (p.Ala120=)

Genes: EOMES (eomesodermin; minus strand), LOC129936390 (ATAC-STARR-seq lymphoblastoid silent region 14153; plus strand). Cytogenetic location: 3p24.1.
Variant type: single nucleotide variant.
Coding change: c.360C>T on transcript NM_001278182.2 (MANE Select); coding-DNA position 360, C replaced by T.
Protein change: p.Ala120=; no amino-acid change (alanine 120 retained).
Molecular consequence: synonymous variant. On other transcripts: intron variant (1).
Genome position (GRCh38, 1-based): chr3:27,721,935, G>A on the plus strand (C>T on the coding strand, the complement: EOMES is on the minus strand). VCF-style: chr3-27721935-G-A. GRCh37 (hg19) VCF-style: chr3-27763426-G-A.
Other names: c.360C>T, p.Ala120= (NM_005442.4); c.-5+495C>T (NM_001278183.2).
Identifiers: ClinVar variation 3049265 (VCV003049265.2), dbSNP rs916686138, ClinGen allele CA72496215.

ClinVar aggregate classification (germline): Likely benign (0 of 4 stars; one submission).

Conditions:
EOMES-related disorder. Also called: EOMES-related condition.

Allele frequency attached by ClinVar (database versions not stated): gnomAD 0.00020; TOPMed 0.00022.
gnomAD v4.1: 580 of 1,370,354 alleles (0.042%); highest among the groups gnomAD compares: Non-Finnish European, 0.052%; 4 homozygotes.

Submission:

PreventionGenetics, part of Exact Sciences
Classification: Likely benign for EOMES-related condition. Last evaluated: 2019-12-26. Review status: no assertion criteria provided. Collection method: clinical testing. Allele origin: germline.
Comment: This variant is classified as likely benign based on ACMG/AMP sequence variant interpretation guidelines (Richards et al. 2015 PMID: 25741868, with internal and published modifications).